The following is an entry in ClinVar:

NM_003331.5(TYK2):c.42C>T (p.Pro14=)

Gene: TYK2 (tyrosine kinase 2; minus strand). Cytogenetic location: 19p13.2.
Variant type: single nucleotide variant.
Coding change: c.42C>T on transcript NM_003331.5 (MANE Select); coding-DNA position 42, C replaced by T.
Protein change: p.Pro14=; no amino-acid change (proline 14 retained).
Molecular consequence: synonymous variant.
Genome position (GRCh38, 1-based): chr19:10,378,365, G>A on the plus strand (C>T on the coding strand, the complement: TYK2 is on the minus strand). VCF-style: chr19-10378365-G-A. GRCh37 (hg19) VCF-style: chr19-10489041-G-A.
Other names: c.42C>T (LRG_121t1).
Identifiers: ClinVar variation 510939 (VCV000510939.11), dbSNP rs543965548, ClinGen allele CA9193898.
Genomic context (GRCh38, chr19:10,378,365, plus strand): 5'-CCAGTGCAGAAGCACCTTCAGGCCTCCCATGGCAGCCATGGGCTGGGCTCCATCCCCAAC[G>A]GGCTTACTGCCCCTGGCCATCCCCCAGTGGCGCAGAGGCATGCTCCCGGCAGGTGGCTCA-3'
Protein context (NP_003322.3, residues 4-24): RHWGMARGSK[Pro14=]VGDGAQPMAA

ClinVar aggregate classification (germline): Likely benign. Review status: criteria provided, multiple submitters, no conflicts (2 of 4 stars). 3 submissions from 3 submitters: Likely benign (3). Last evaluated 2025-08-12.

Conditions:
Immunodeficiency 35 (IMD35). Also called: TYK2 DEFICIENCY; HIES WITH ATYPICAL MYCOBACTERIOSIS, AUTOSOMAL RECESSIVE; HYPER-IgE SYNDROME WITH ATYPICAL MYCOBACTERIOSIS, AUTOSOMAL RECESSIVE; Susceptibility to infection due to TYK2 deficiency. Identifiers: Orphanet 331226, MedGen C1969086, MONDO:0012682, OMIM 611521.

Allele frequency attached by ClinVar (database versions not stated): TOPMed 0.00002; gnomAD exomes 0.00011 and 0.00024; ExAC 0.00026; 1000 Genomes Project 0.00040; 1000 Genomes Project 30x 0.00047.
gnomAD v4.1: 168 of 1,612,222 alleles (0.01%); highest among the groups gnomAD compares: South Asian, 0.14%; no homozygotes.

Submissions (3):

Labcorp Genetics (formerly Invitae), Labcorp
Classification: Likely benign for Immunodeficiency 35. Last evaluated: 2025-08-12. Review status: criteria provided, single submitter. Criteria: Invitae Variant Classification Sherloc (09022015). Collection method: clinical testing. Allele origin: germline.

Blueprint Genetics
Classification: Likely benign. Last evaluated: 2023-07-07. Review status: criteria provided, single submitter. Criteria: ACMG Guidelines, 2015. Collection method: clinical testing. Allele origin: germline.

GeneDx
Classification: Likely benign. Last evaluated: 2017-07-17. Review status: criteria provided, single submitter. Criteria: GeneDx Variant Classification (06012015). Collection method: clinical testing. Allele origin: germline. Affected: yes.
Comment: This variant is considered likely benign or benign based on one or more of the following criteria: it is a conservative change, it occurs at a poorly conserved position in the protein, it is predicted to be benign by multiple in silico algorithms, and/or has population frequency not consistent with disease.